The following is an entry in ClinVar:

NM_000238.4(KCNH2):c.2464G>A (p.Val822Met)

Gene: KCNH2 (potassium voltage-gated channel subfamily H member 2; minus strand). Cytogenetic location: 7q36.1.
Variant type: single nucleotide variant.
Coding change: c.2464G>A on transcript NM_000238.4 (MANE Select); coding-DNA position 2464, G replaced by A.
Protein change: p.Val822Met; replaces valine 822 with methionine.
Molecular consequence: missense variant.
Genome position (GRCh38, 1-based): chr7:150,948,984, C>T on the plus strand (G>A on the coding strand, the complement: KCNH2 is on the minus strand). VCF-style: chr7-150948984-C-T. GRCh37 (hg19) VCF-style: chr7-150646072-C-T.
Other names: c.1444G>A, p.Val482Met (NM_172057.3); c.2464G>A (LRG_288t1); short protein forms V822M, V482M.
Identifiers: ClinVar variation 14424 (VCV000014424.19), dbSNP rs121912506, ClinGen allele CA006796.

ClinVar aggregate classification (germline): Pathogenic. Review status: criteria provided, multiple submitters, no conflicts (2 of 4 stars). 6 submissions from 6 submitters: Pathogenic (4). 2 of the submissions do not count toward it. Last evaluated 2024-09-13.

Conditions:
Cardiovascular phenotype. Identifiers: MedGen CN230736.
Familial long QT syndrome (RWS). Also called: Romano-Ward syndrome; VENTRICULAR FIBRILLATION WITH PROLONGED QT INTERVAL; Congenital long QT syndrome. Identifiers: Orphanet 768, MedGen C1141890, MONDO:0019171.
Long QT syndrome (LQTS). Identifiers: MedGen C0023976, MeSH D008133, MONDO:0002442. Disease mechanism: loss of function. Inheritance: Various modes of inheritance.
Long QT syndrome 2 (LQT2). Identifiers: Orphanet 101016, Orphanet 768, MedGen C3150943, MONDO:0013367, OMIM 613688.
Long QT syndrome 1 (LQT1). Identifiers: Orphanet 101016, Orphanet 768, MedGen C4551647, MONDO:0100316, OMIM 192500, MONDO:0008646.

Submissions (6):

All of Us Research Program, National Institutes of Health
Classification: Pathogenic for Long QT syndrome. Last evaluated: 2024-09-13. Review status: criteria provided, single submitter. Criteria: ACMG Guidelines, 2015. Collection method: clinical testing. Allele origin: germline. Inheritance: Autosomal dominant inheritance. Observed: 1 variant allele, 1 heterozygote.
Comment: This missense variant replaces valine with methionine at codon 822 of the KCNH2 protein. This variant is found within the highly conserved cyclic nucleotide binding region (a.a. 742-842). Rare non-truncating variants in this region have been shown to be significantly overrepresented in individuals with long QT syndrome (PMID: 32893267). Functional studies have shown that this variant causes a failure of channel maturation and results in a reduction of potassium current (PMID: 9694858, 11278781, 16432067, 23303164). This variant has been reported in multiple individuals affected with or suspected of having long QT syndrome (PMID: 8914737, 10086971, 11854117, 19716085, 38489124). It has been shown that this variant segregates with disease in a large Irish family (PMID: 8914737). This variant has not been identified in the general population by the Genome Aggregation Database (gnomAD). Based on the available evidence, this variant is classified as Pathogenic.

This study involves interpretation of variants in research participants for the purpose of population health screening. Participant phenotype was not available at the time of variant classification. Additional details can be found in publication PMID: 35346344, PMCID: PMC8962531

Labcorp Genetics (formerly Invitae), Labcorp
Classification: Pathogenic for Long QT syndrome. Last evaluated: 2022-07-20. Review status: criteria provided, single submitter. Criteria: Invitae Variant Classification Sherloc (09022015). Collection method: clinical testing. Allele origin: germline.
Comment: Algorithms developed to predict the effect of missense changes on protein structure and function are either unavailable or do not agree on the potential impact of this missense change (SIFT: "Deleterious"; PolyPhen-2: "Probably Damaging"; Align-GVGD: "Class C0"). For these reasons, this variant has been classified as Pathogenic. Experimental studies have shown that this missense change affects KCNH2 function (PMID: 9694858, 11278781, 23303164). ClinVar contains an entry for this variant (Variation ID: 14424). This missense change has been observed in individuals with clinical features of long QT syndrome and long QT syndrome (PMID: 8914737, 10086971, 10973849, 11854117, 15840476, 15851119). It has also been observed to segregate with disease in related individuals. This variant is not present in population databases (gnomAD no frequency). This sequence change replaces valine, which is neutral and non-polar, with methionine, which is neutral and non-polar, at codon 822 of the KCNH2 protein (p.Val822Met).

GeneDx
Classification: Pathogenic. Last evaluated: 2022-02-08. Review status: criteria provided, single submitter. Criteria: GeneDx Variant Classification Process June 2021. Collection method: clinical testing. Allele origin: germline. Affected: yes.
Comment: Reported in association with LQTS in multiple families (Berthet et al., 1999; Satler et al.,1996; Benhorin et al., 2002; Kapplinger et al., 2009); Not observed at significant frequency in large population cohorts (gnomAD); Published functional studies demonstrate a damaging effect as cell lines with this variant showed no voltage and showed defects in biosynthetic processing of KCNH2 (HERG) channels as the protein was retained in the endoplasmic reticulum (Zhou et al., 1998; Anderson et al., 2006); In silico analysis supports that this missense variant has a deleterious effect on protein structure/function; This variant is associated with the following publications: (PMID: 12716119, 23303164, 12354768, 11278781, 11844290, 16432067, 10086971, 19716085, 11854117, 31557540, 8914737, 15840476, 30244407, 9694858)

Ambry Genetics
Classification: Pathogenic for Cardiovascular phenotype. Last evaluated: 2018-09-11. Review status: criteria provided, single submitter. Criteria: Ambry Variant Classification Scheme 2023. Collection method: clinical testing. Allele origin: germline.
Comment: The p.V822M pathogenic mutation (also known as c.2464G>A), located in coding exon 10 of the KCNH2 gene, results from a G to A substitution at nucleotide position 2464. The valine at codon 822 is replaced by methionine, an amino acid with highly similar properties. This alteration was originally described to co-segregate with long QT syndrome in multiple individuals in a large family (Satler CA et al. Am J Med Genet. 1996;65(1):27-3). Subsequently, this mutation has been reported in multiple patients with long QT (Berthet M et al. Circulation. 1999;99(11):1464-70; Lupoglazoff JM et al. Circulation. 2001;103(8):1095-101; Moss AJ et al. Circulation. 2002;105(7):794-9;Tester DJ et al. Heart Rhythm 2005;2(5):507-17; Kapplinger JD et al. Heart Rhythm. 2009;6(9):1297-303). This alteration is located in the C-terminal region of the KCNH2 gene, and functional in vitro and in vivo analyses have demonstrated deficient protein trafficking and repolarization related to a loss of function effect (Zhou Z et al. J Biol Chem. 1998;273(33):21061-6; Anderson CL et al. Circulation. 2006;113(3):365-73. Jou CJ et al. Circ Res. 2013;112(5):826-30). Based on the supporting evidence, p.V822M is interpreted as a disease-causing mutation.

OMIM
Classification: Pathogenic for LONG QT SYNDROME 2. Last evaluated: 1996-10-02. Review status: no assertion criteria provided. Collection method: literature only. Allele origin: germline. Not counted in ClinVar's aggregate classification.

Cardiovascular Biomedical Research Unit, Royal Brompton & Harefield NHS Foundation Trust
No classification provided. Condition: Familial long QT syndrome. Review status: no classification provided. Collection method: literature only. Allele origin: germline. Not counted in ClinVar's aggregate classification.
Comment: This variant has been reported as associated with Long QT syndrome in the following publications (PMID:8914737;PMID:10086971;PMID:11222472;PMID:11854117;PMID:15840476;PMID:16432067;PMID:19716085;PMID:9694858). This is a literature report, and does not necessarily reflect the clinical interpretation of the Imperial College / Royal Brompton Cardiovascular Genetics laboratory.

Literature cited by the submitters: PubMed 8914737 (cited by 5 submitters); PubMed 9694858 (cited by 4 submitters); PubMed 10086971 (cited by 4 submitters); PubMed 11278781 (cited by All of Us Research Program, National Institutes of Health and Labcorp Genetics (formerly Invitae), Labcorp); PubMed 11854117 (cited by 4 submitters); PubMed 16432067 (cited by 3 submitters); PubMed 19716085 (cited by All of Us Research Program, National Institutes of Health and Cardiovascular Biomedical Research Unit, Royal Brompton & Harefield NHS Foundation Trust); PubMed 23303164 (cited by 3 submitters); PubMed 32893267 (cited by All of Us Research Program, National Institutes of Health); PubMed 38489124 (cited by All of Us Research Program, National Institutes of Health); PubMed 10973849 (cited by Labcorp Genetics (formerly Invitae), Labcorp); PubMed 15840476 (cited by 3 submitters); PubMed 15851119 (cited by Labcorp Genetics (formerly Invitae), Labcorp); PubMed 11222472 (cited by Ambry Genetics and Cardiovascular Biomedical Research Unit, Royal Brompton & Harefield NHS Foundation Trust); PubMed 22581653 (cited by Cardiovascular Biomedical Research Unit, Royal Brompton & Harefield NHS Foundation Trust).